The following is an entry in ClinVar:

NM_080605.4(B3GALT6):c.422C>T (p.Ala141Val)

Gene: B3GALT6 (beta-1,3-galactosyltransferase 6; plus strand). Cytogenetic location: 1p36.33.
Variant type: single nucleotide variant.
Coding change: c.422C>T on transcript NM_080605.4 (MANE Select); coding-DNA position 422, C replaced by T.
Protein change: p.Ala141Val; replaces alanine 141 with valine.
Molecular consequence: missense variant.
Genome position (GRCh38, 1-based): chr1:1,232,700, C>T. VCF-style: chr1-1232700-C-T. GRCh37 (hg19) VCF-style: chr1-1168080-C-T.
Other names: c.422C>T (NM_080605.3); short protein forms A141V.
Identifiers: ClinVar variation 1014335 (VCV001014335.6), dbSNP rs762606889, ClinGen allele CA513337.

ClinVar aggregate classification (germline): Uncertain significance. Review status: criteria provided, multiple submitters, no conflicts (2 of 4 stars). 3 submissions from 3 submitters: Uncertain significance (3). Last evaluated 2024-09-16.

Conditions:
Spondyloepimetaphyseal dysplasia with joint laxity (SEMDJL). Identifiers: MedGen C0432243, MONDO:0019675.
Ehlers-Danlos syndrome, spondylodysplastic type, 2 (EDSSPD2). Also called: Ehlers-Danlos syndrome, progeroid type, 2. Identifiers: Orphanet 536467, Orphanet 75496, MedGen C3809210, MONDO:0014139, OMIM 615349.
Inborn genetic diseases. Identifiers: MedGen C0950123, MeSH D030342.

Allele frequency attached by ClinVar (database versions not stated): gnomAD 0.00002; gnomAD exomes 0.00002 and 0.00008; ExAC 0.00007; TOPMed 0.00009.

Submissions (3):

GeneDx
Classification: Uncertain significance. Last evaluated: 2024-09-16. Review status: criteria provided, single submitter. Criteria: GeneDx Variant Classification Process June 2021. Collection method: clinical testing. Allele origin: germline. Affected: yes.
Comment: In silico analysis indicates that this missense variant does not alter protein structure/function; Has not been previously published as pathogenic or benign to our knowledge

Ambry Genetics
Classification: Uncertain significance for Inborn genetic diseases. Last evaluated: 2024-07-09. Review status: criteria provided, single submitter. Criteria: Ambry Variant Classification Scheme 2023. Collection method: clinical testing. Allele origin: germline.

Labcorp Genetics (formerly Invitae), Labcorp
Classification: Uncertain significance for Ehlers-Danlos syndrome, spondylodysplastic type, 2; Spondyloepimetaphyseal dysplasia with joint laxity. Last evaluated: 2022-08-15. Review status: criteria provided, single submitter. Criteria: Invitae Variant Classification Sherloc (09022015). Collection method: clinical testing. Allele origin: germline.
Comment: This sequence change replaces alanine, which is neutral and non-polar, with valine, which is neutral and non-polar, at codon 141 of the B3GALT6 protein (p.Ala141Val). The frequency data for this variant in the population databases is considered unreliable, as metrics indicate poor data quality at this position in the gnomAD database. This variant has not been reported in the literature in individuals affected with B3GALT6-related conditions. ClinVar contains an entry for this variant (Variation ID: 1014335). Algorithms developed to predict the effect of missense changes on protein structure and function (SIFT, PolyPhen-2, Align-GVGD) all suggest that this variant is likely to be tolerated. In summary, the available evidence is currently insufficient to determine the role of this variant in disease. Therefore, it has been classified as a Variant of Uncertain Significance.